The following is an entry in ClinVar:

NM_001849.4(COL6A2):c.1336G>C (p.Asp446His)

Gene: COL6A2 (collagen type VI alpha 2 chain; plus strand). Cytogenetic location: 21q22.3.
Variant type: single nucleotide variant.
Coding change: c.1336G>C on transcript NM_001849.4 (MANE Select); coding-DNA position 1336, G replaced by C.
Protein change: p.Asp446His; replaces aspartic acid 446 with histidine.
Molecular consequence: missense variant.
Genome position (GRCh38, 1-based): chr21:46,120,518, G>C. VCF-style: chr21-46120518-G-C. GRCh37 (hg19) VCF-style: chr21-47540432-G-C.
Other names: c.1336G>C, p.Asp446His (NM_058174.3, NM_058175.3); short protein forms D446H.
Identifiers: ClinVar variation 166931 (VCV000166931.53), dbSNP rs535007570, ClinGen allele CA233813.
Genomic context (GRCh38, chr21:46,120,518, plus strand): 5'-GGACCCAGGCCGGAGGCCTCAGCTGAGACCCGTGGGGCCTCCCTTCCCTTCCCACAGGGG[G>C]ACCCTGGCCCTGAGGGGCCCCGCGGCCTGGCTGGAGAGGTTGGCAACAAAGGAGCCAAGG-3'
Protein context (NP_001840.3, residues 436-456): GSDGPKGEKG[Asp446His]PGPEGPRGLA

ClinVar aggregate classification (germline): Conflicting classifications of pathogenicity. Review status: criteria provided, conflicting classifications (1 of 4 stars). 7 submissions from 7 submitters: Uncertain significance (4); Benign (1). 2 of the submissions do not count toward it. Last evaluated 2025-07-27.

Conditions:
Bethlem myopathy 1A. Also called: Bethlem Muscular Dystrophy; Bethlem myopathy 1; MYOPATHY, BENIGN CONGENITAL, WITH CONTRACTURES. Identifiers: Orphanet 610, MedGen CN029274, MONDO:0024530, OMIM 158810.

Allele frequency attached by ClinVar (database versions not stated): TOPMed 0.00043.
gnomAD v4.1: 113 of 1,507,350 alleles (0.0075%); highest among the groups gnomAD compares: African/African-American, 0.15%; no homozygotes.

Submissions (7):

Labcorp Genetics (formerly Invitae), Labcorp
Classification: Benign for Bethlem myopathy 1A. Last evaluated: 2025-07-27. Review status: criteria provided, single submitter. Criteria: Invitae Variant Classification Sherloc (09022015). Collection method: clinical testing. Allele origin: germline.

GeneDx
Classification: Uncertain significance. Last evaluated: 2025-04-16. Review status: criteria provided, single submitter. Criteria: GeneDx Variant Classification Process June 2021. Collection method: clinical testing. Allele origin: germline. Affected: yes.
Comment: Reported as a variant of uncertain significance in an individual with limb-girdle muscular dystrophy 1A in the published literature; however, it is unclear if this individual harbored variants in other genes related to their phenotype (PMID: 30564623); In silico analysis indicates that this missense variant does not alter protein structure/function; This variant is associated with the following publications: (PMID: 30564623)

CeGaT Center for Human Genetics Tuebingen
Classification: Uncertain significance. Last evaluated: 2021-12-01. Review status: criteria provided, single submitter. Criteria: CeGaT Center For Human Genetics Tuebingen Variant Classification Criteria Version 2. Collection method: clinical testing. Allele origin: germline. Affected: yes. Observed: 1 variant allele.

Revvity Omics, Revvity
Classification: Uncertain significance. Last evaluated: 2021-11-17. Review status: criteria provided, single submitter. Criteria: ACMG Guidelines, 2015. Collection method: clinical testing. Allele origin: germline.

Eurofins Ntd Llc (ga)
Classification: Uncertain significance. Last evaluated: 2018-04-02. Review status: criteria provided, single submitter. Criteria: EGL ClinVar v180209 classification definitions. Collection method: clinical testing. Allele origin: germline. Observed: 6 variant alleles, 6 heterozygotes.

Clinical Genetics, Academic Medical Center
Classification: Uncertain significance. Review status: no assertion criteria provided. Collection method: clinical testing. Allele origin: germline. Affected: yes. Study: VKGL Data-share Consensus. Not counted in ClinVar's aggregate classification.

Joint Genome Diagnostic Labs from Nijmegen and Maastricht, Radboudumc and MUMC+
Classification: Uncertain significance. Review status: no assertion criteria provided. Collection method: clinical testing. Allele origin: germline. Affected: yes. Study: VKGL Data-share Consensus. Not counted in ClinVar's aggregate classification.